The following is an entry in ClinVar:

NM_000264.5(PTCH1):c.2342T>C (p.Val781Ala)

Genes: PTCH1 (patched 1; minus strand), LOC100507346 (uncharacterized LOC100507346; plus strand). Cytogenetic location: 9q22.32.
Variant type: single nucleotide variant.
Coding change: c.2342T>C on transcript NM_000264.5 (MANE Select); coding-DNA position 2342, T replaced by C.
Protein change: p.Val781Ala; replaces valine 781 with alanine.
Molecular consequence: missense variant. On other transcripts: non-coding transcript variant (1).
Genome position (GRCh38, 1-based): chr9:95,467,334, A>G on the plus strand (T>C on the coding strand, the complement: PTCH1 is on the minus strand). VCF-style: chr9-95467334-A-G. GRCh37 (hg19) VCF-style: chr9-98229616-A-G.
Other names: c.2144T>C, p.Val715Ala (NM_001083602.3); c.2339T>C, p.Val780Ala (NM_001083603.3); c.1889T>C, p.Val630Ala (NM_001083604.3, NM_001083605.3, NM_001083606.3 and 1 more transcripts); c.2186T>C, p.Val729Ala (NM_001354918.2); short protein forms V630A, V781A, V729A, V715A, V780A.
Identifiers: ClinVar variation 1510000 (VCV001510000.6), dbSNP rs2117968922, ClinGen allele CA374114546.

ClinVar aggregate classification (germline): Uncertain significance (1 of 4 stars; one submission).

Conditions:
Gorlin syndrome. Also called: Basal cell nevus syndrome; Nevoid Basal Cell Carcinoma Syndrome. Identifiers: Orphanet 377, MedGen C0004779, MONDO:0007187.

Submission:

Labcorp Genetics (formerly Invitae), Labcorp
Classification: Uncertain significance for Gorlin syndrome. Last evaluated: 2022-11-29. Review status: criteria provided, single submitter. Criteria: Invitae Variant Classification Sherloc (09022015). Collection method: clinical testing. Allele origin: germline.
Comment: This sequence change replaces valine, which is neutral and non-polar, with alanine, which is neutral and non-polar, at codon 781 of the PTCH1 protein (p.Val781Ala). This variant is not present in population databases (gnomAD no frequency). This variant has not been reported in the literature in individuals affected with PTCH1-related conditions. ClinVar contains an entry for this variant (Variation ID: 1510000). Advanced modeling of protein sequence and biophysical properties (such as structural, functional, and spatial information, amino acid conservation, physicochemical variation, residue mobility, and thermodynamic stability) has been performed at Invitae for this missense variant, however the output from this modeling did not meet the statistical confidence thresholds required to predict the impact of this variant on PTCH1 protein function. In summary, the available evidence is currently insufficient to determine the role of this variant in disease. Therefore, it has been classified as a Variant of Uncertain Significance.